The following is an entry in ClinVar:

ClinVar aggregate classification (germline): Uncertain significance (1 of 4 stars; one submission).

Submission:

Labcorp Genetics (formerly Invitae), Labcorp
Classification: Uncertain significance. Last evaluated: 2022-10-24. Review status: criteria provided, single submitter. Criteria: Invitae Variant Classification Sherloc (09022015). Collection method: clinical testing. Allele origin: germline.
Comment: This sequence change replaces threonine, which is neutral and polar, with alanine, which is neutral and non-polar, at codon 49 of the TSPAN12 protein (p.Thr49Ala). This variant is not present in population databases (gnomAD no frequency). This variant has not been reported in the literature in individuals affected with TSPAN12-related conditions. Advanced modeling of protein sequence and biophysical properties (such as structural, functional, and spatial information, amino acid conservation, physicochemical variation, residue mobility, and thermodynamic stability) performed at Invitae indicates that this missense variant is not expected to disrupt TSPAN12 protein function. In summary, the available evidence is currently insufficient to determine the role of this variant in disease. Therefore, it has been classified as a Variant of Uncertain Significance.

NM_012338.4(TSPAN12):c.145A>G (p.Thr49Ala)

Gene: TSPAN12 (tetraspanin 12; minus strand). Cytogenetic location: 7q31.31.
Variant type: single nucleotide variant.
Coding change: c.145A>G on transcript NM_012338.4 (MANE Select); coding-DNA position 145, A replaced by G.
Protein change: p.Thr49Ala; replaces threonine 49 with alanine.
Molecular consequence: missense variant.
Genome position (GRCh38, 1-based): chr7:120,840,031, T>C on the plus strand (A>G on the coding strand, the complement: TSPAN12 is on the minus strand). VCF-style: chr7-120840031-T-C. GRCh37 (hg19) VCF-style: chr7-120480085-T-C.
Other names: short protein forms T49A.
Identifiers: ClinVar variation 1721618 (VCV001721618.5), dbSNP rs2485422874, ClinGen allele CA369141473.